The following is an entry in ClinVar:

ClinVar aggregate classification (germline): Likely pathogenic (1 of 4 stars; one submission).

Submission:

Mayo Clinic Laboratories, Mayo Clinic
Classification: Likely pathogenic. Last evaluated: 2024-10-17. Review status: criteria provided, single submitter. Criteria: ACMG Guidelines, 2015. Collection method: clinical testing. Allele origin: germline. Observed: 3 variant alleles.
Comment: PM2_supporting, PVS1

NM_000298.6(PKLR):c.957del (p.Gly319_Val320insTer)

Gene: PKLR (pyruvate kinase L/R; minus strand). Cytogenetic location: 1q22.
Variant type: Deletion.
Coding change: c.957del on transcript NM_000298.6 (MANE Select); coding-DNA position 957, one base deleted (C; older notation c.957delC).
Protein change: p.Gly319_Val320insTer.
Molecular consequence: frameshift variant.
Genome position (GRCh38, 1-based): chr1:155,294,490, G deleted on the plus strand (C on the coding strand, the reverse complement: PKLR is on the minus strand). VCF-style (leftmost placement, unchanged base first): chr1-155294489-CG-C. GRCh37 (hg19) VCF-style: chr1-155264280-CG-C.
Other names: c.864del, p.Gly288_Val289insTer (NM_181871.4).
Identifiers: ClinVar variation 1163644 (VCV001163644.6), dbSNP rs2148204773, ClinGen allele CA2499214201.